The following is an entry in ClinVar:

ClinVar aggregate classification (germline): Likely benign. Review status: criteria provided, multiple submitters, no conflicts (2 of 4 stars). 3 submissions from 3 submitters: Likely benign (3). Last evaluated 2025-01-27.

Allele frequency attached by ClinVar (database versions not stated): 1000 Genomes Project 30x 0.00031; 1000 Genomes Project 0.00040.
gnomAD v4.1: 114 of 1,614,190 alleles (0.0071%); highest among the groups gnomAD compares: Middle Eastern, 0.049%; no homozygotes.

Submissions (3):

Labcorp Genetics (formerly Invitae), Labcorp
Classification: Likely benign. Last evaluated: 2025-01-27. Review status: criteria provided, single submitter. Criteria: Invitae Variant Classification Sherloc (09022015). Collection method: clinical testing. Allele origin: germline.

Blueprint Genetics
Classification: Likely benign. Last evaluated: 2024-10-08. Review status: criteria provided, single submitter. Criteria: ACMG Guidelines, 2015. Collection method: clinical testing. Allele origin: germline.

CeGaT Center for Human Genetics Tuebingen
Classification: Likely benign. Last evaluated: 2022-12-01. Review status: criteria provided, single submitter. Criteria: CeGaT Center For Human Genetics Tuebingen Variant Classification Criteria Version 2. Collection method: clinical testing. Allele origin: germline. Affected: yes. Observed: 2 variant alleles.
Comment: KMT2C: BP4, BP7

NM_170606.3(KMT2C):c.10992C>T (p.Val3664=)

Gene: KMT2C (lysine methyltransferase 2C; minus strand). Cytogenetic location: 7q36.1.
Variant type: single nucleotide variant.
Coding change: c.10992C>T on transcript NM_170606.3 (MANE Select); coding-DNA position 10992, C replaced by T.
Protein change: p.Val3664=; no amino-acid change (valine 3664 retained).
Molecular consequence: synonymous variant.
Genome position (GRCh38, 1-based): chr7:152,162,585, G>A on the plus strand (C>T on the coding strand, the complement: KMT2C is on the minus strand). VCF-style: chr7-152162585-G-A. GRCh37 (hg19) VCF-style: chr7-151859670-G-A.
Identifiers: ClinVar variation 1348979 (VCV001348979.32), dbSNP rs149510534, ClinGen allele CA4579195.